The following is an entry in ClinVar:

ClinVar aggregate classification (germline): Uncertain significance (1 of 4 stars; one submission).

Submission:

GeneDx
Classification: Uncertain significance. Last evaluated: 2024-09-16. Review status: criteria provided, single submitter. Criteria: GeneDx Variant Classification Process June 2021. Collection method: clinical testing. Allele origin: germline. Affected: yes.
Comment: Not observed at significant frequency in large population cohorts (gnomAD); In silico analysis indicates that this missense variant does not alter protein structure/function; Has not been previously published as pathogenic or benign to our knowledge

NM_015488.5(PNKD):c.941A>G (p.Lys314Arg)

Genes: CATIP-AS2 (CATIP antisense RNA 2; minus strand), PNKD (PNKD metallo-beta-lactamase domain containing; plus strand). Cytogenetic location: 2q35.
Variant type: single nucleotide variant.
Coding change: c.941A>G on transcript NM_015488.5 (MANE Select); coding-DNA position 941, A replaced by G.
Protein change: p.Lys314Arg; replaces lysine 314 with arginine.
Molecular consequence: missense variant.
Genome position (GRCh38, 1-based): chr2:218,344,527, A>G. VCF-style: chr2-218344527-A-G. GRCh37 (hg19) VCF-style: chr2-219209250-A-G.
Other names: c.869A>G, p.Lys290Arg (NM_022572.5); short protein forms K290R, K314R.
Identifiers: ClinVar variation 3769745 (VCV003769745.1).